The following is an entry in ClinVar:

ClinVar aggregate classification (germline): Uncertain significance (1 of 4 stars; one submission).

Submission:

GeneDx
Classification: Uncertain significance. Last evaluated: 2023-07-07. Review status: criteria provided, single submitter. Criteria: GeneDx Variant Classification Process June 2021. Collection method: clinical testing. Allele origin: germline. Affected: yes.
Comment: Not observed at significant frequency in large population cohorts (gnomAD); In silico analysis supports that this missense variant has a deleterious effect on protein structure/function; Has not been previously published as pathogenic or benign to our knowledge

NM_015335.5(MED13L):c.1399C>T (p.His467Tyr)

Gene: MED13L (mediator complex subunit 13L; minus strand). Cytogenetic location: 12q24.21.
Variant type: single nucleotide variant.
Coding change: c.1399C>T on transcript NM_015335.5 (MANE Select); coding-DNA position 1399, C replaced by T.
Protein change: p.His467Tyr; replaces histidine 467 with tyrosine.
Molecular consequence: missense variant.
Genome position (GRCh38, 1-based): chr12:116,009,014, G>A on the plus strand (C>T on the coding strand, the complement: MED13L is on the minus strand). VCF-style: chr12-116009014-G-A. GRCh37 (hg19) VCF-style: chr12-116446819-G-A.
Other names: short protein forms H467Y.
Identifiers: ClinVar variation 3360901 (VCV003360901.1).